The following is an entry in ClinVar:

NM_000059.4(BRCA2):c.8369_8370insATATAC (p.Tyr2789_Thr2790dup)

Gene: BRCA2 (BRCA2 DNA repair associated; plus strand). Cytogenetic location: 13q13.1.
Variant type: Microsatellite.
Coding change: c.8369_8370insATATAC on transcript NM_000059.4 (MANE Select); coding-DNA positions 8369 to 8370, ATATAC inserted.
Protein change: p.Tyr2789_Thr2790dup.
Molecular consequence: inframe insertion.
Genome position: GRCh38 VCF-style: chr13-32370434-G-GTATACA. GRCh37 (hg19) VCF-style: chr13-32944571-G-GTATACA.
Identifiers: ClinVar variation 1493883 (VCV001493883.9), dbSNP rs2137596723.
Genomic context (GRCh38, chr13:32,370,434, plus strand): 5'-AAATCAATATATTTATTAATTTGTCCAGATTTCTGCTAACAGTACTCGGCCTGCTCGCTG[G>GTATACA]TATACCAAACTTGGATTCTTTCCTGACCCTAGACCTTTTCCTCTGCCCTTATCATCGCTT-3'

ClinVar aggregate classification (germline): Uncertain significance (1 of 4 stars; one submission).

Conditions:
Hereditary breast ovarian cancer syndrome. Also called: Hereditary breast and ovarian cancer; Hereditary breast and ovarian cancer syndrome; Hereditary breast and/or ovarian cancer syndrome; Hereditary breast and ovarian cancer syndrome (HBOC); Breast and ovarian cancer; BRCA1- and BRCA2-Associated Hereditary Breast and Ovarian Cancer. Identifiers: Orphanet 145, MedGen C0677776, MeSH D061325, MONDO:0003582. Disease mechanism: loss of function.

Submission:

Labcorp Genetics (formerly Invitae), Labcorp
Classification: Uncertain significance for Hereditary breast ovarian cancer syndrome. Last evaluated: 2021-05-19. Review status: criteria provided, single submitter. Criteria: Invitae Variant Classification Sherloc (09022015). Collection method: clinical testing. Allele origin: germline.
Comment: In summary, the available evidence is currently insufficient to determine the role of this variant in disease. Therefore, it has been classified as a Variant of Uncertain Significance. Experimental studies and prediction algorithms are not available or were not evaluated, and the functional significance of this variant is currently unknown. This variant has not been reported in the literature in individuals with BRCA2-related conditions. This variant is not present in population databases (ExAC no frequency). This variant, c.8369_8370insATATAC, results in the insertion of 2 amino acid(s) to the BRCA2 protein (p.Tyr2789_Thr2790dup), but otherwise preserves the integrity of the reading frame.